The following is an entry in ClinVar:

NM_000834.5(GRIN2B):c.3445G>A (p.Val1149Ile)

Gene: GRIN2B (glutamate ionotropic receptor NMDA type subunit 2B; minus strand). Cytogenetic location: 12p13.1.
Variant type: single nucleotide variant.
Coding change: c.3445G>A on transcript NM_000834.5 (MANE Select); coding-DNA position 3445, G replaced by A.
Protein change: p.Val1149Ile; replaces valine 1149 with isoleucine.
Molecular consequence: missense variant.
Genome position (GRCh38, 1-based): chr12:13,563,793, C>T on the plus strand (G>A on the coding strand, the complement: GRIN2B is on the minus strand). VCF-style: chr12-13563793-C-T. GRCh37 (hg19) VCF-style: chr12-13716727-C-T.
Other names: c.3445G>A, p.Val1149Ile (NM_001413992.1); short protein forms V1149I.
Identifiers: ClinVar variation 2932646 (VCV002932646.3), dbSNP rs2497468654, ClinGen allele CA383989280.
Genomic context (GRCh38, chr12:13,563,793, plus strand): 5'-CGCTGACGGAGTCGCGCTTAAAGTCATCACTCCGCTCCTTGTAGATGTCGGTCAGGTCTA[C>T]GTGCTCCCAGTGGGGTGAGTTCTCCTTTGTTCGGAACTGGTCCAGGTAGAAGTCCCGTAG-3'
Protein context (NP_000825.2, residues 1139-1159): TKENSPHWEH[Val1149Ile]DLTDIYKERS

ClinVar aggregate classification (germline): Uncertain significance (1 of 4 stars; one submission).

Conditions:
Intellectual developmental disorder, autosomal dominant 6, with or without seizures. Also called: GRIN2B-related developmental delay, intellectual disability and autism spectrum disorder; Intellectual disability, autosomal dominant 6. Identifiers: Orphanet 589547, MedGen C3151411, MONDO:0013509, OMIM 613970.
Developmental and epileptic encephalopathy, 27 (DEE27). Also called: Epileptic encephalopathy, early infantile, 27; GRIN2B-Related Neurodevelopmental Disorder. Identifiers: Orphanet 3451, MedGen C4015316, MONDO:0014505, OMIM 616139.

gnomAD v4.1: 2 of 1,613,766 alleles (0.00012%); highest among the groups gnomAD compares: Non-Finnish European, 0.000085%; no homozygotes.

Submission:

Labcorp Genetics (formerly Invitae), Labcorp
Classification: Uncertain significance for Developmental and epileptic encephalopathy, 27; Intellectual developmental disorder, autosomal dominant 6, with or without seizures. Last evaluated: 2025-10-01. Review status: criteria provided, single submitter. Criteria: Invitae Variant Classification Sherloc (09022015). Collection method: clinical testing. Allele origin: germline.
Comment: This sequence change replaces valine, which is neutral and non-polar, with isoleucine, which is neutral and non-polar, at codon 1149 of the GRIN2B protein (p.Val1149Ile). This variant is not present in population databases (gnomAD no frequency). This variant has not been reported in the literature in individuals affected with GRIN2B-related conditions. ClinVar contains an entry for this variant (Variation ID: 2932646). Invitae Evidence Modeling of protein sequence and biophysical properties (such as structural, functional, and spatial information, amino acid conservation, physicochemical variation, residue mobility, and thermodynamic stability) indicates that this missense variant is not expected to disrupt GRIN2B protein function with a negative predictive value of 95%. In summary, the available evidence is currently insufficient to determine the role of this variant in disease. Therefore, it has been classified as a Variant of Uncertain Significance.